The following is an entry in ClinVar:

NM_007194.4(CHEK2):c.684-4C>T

Gene: CHEK2 (checkpoint kinase 2; minus strand). Cytogenetic location: 22q12.1.
Variant type: single nucleotide variant.
Coding change: c.684-4C>T on transcript NM_007194.4 (MANE Select); 4 bases into the intron before coding-DNA position 684, C replaced by T.
Molecular consequence: intron variant.
Genome position (GRCh38, 1-based): chr22:28,712,021, G>A on the plus strand (C>T on the coding strand, the complement: CHEK2 is on the minus strand). VCF-style: chr22-28712021-G-A. GRCh37 (hg19) VCF-style: chr22-29108009-G-A.
Other names: c.21-4C>T (NM_001437942.1, NM_001257387.3); c.483-4C>T (NM_001349956.3); c.684-4C>T (NM_145862.3); c.777-4C>T (NM_001438295.1, NM_001438293.1); c.813-4C>T (NM_001438294.1, NM_001005735.3).
Identifiers: ClinVar variation 530232 (VCV000530232.15), dbSNP rs121908695, ClinGen allele CA10167903.

ClinVar aggregate classification (germline): Likely benign. Review status: criteria provided, multiple submitters, no conflicts (2 of 4 stars). 3 submissions from 3 submitters: Likely benign (3). Last evaluated 2025-10-31.

Conditions:
Hereditary cancer-predisposing syndrome. Also called: Hereditary neoplastic syndrome; Neoplastic Syndromes, Hereditary; Hereditary Cancer Syndrome; Tumor predisposition. Identifiers: Orphanet 140162, MedGen C0027672, MeSH D009386, MONDO:0015356.
Familial cancer of breast. Also called: BREAST CANCER, FAMILIAL; Hereditary breast cancer; hereditary breast carcinoma. Identifiers: Orphanet 227535, MedGen C0346153, MONDO:0016419, OMIM 114480. Disease mechanism: loss of function.

Allele frequency attached by ClinVar (database versions not stated): gnomAD exomes below 0.00001; ExAC 0.00001.
gnomAD v4.1: 1 of 1,603,668 alleles (0.000062%); highest among the groups gnomAD compares: Non-Finnish European, 0.000085%; no homozygotes.

Submissions (3):

Labcorp Genetics (formerly Invitae), Labcorp
Classification: Likely benign for Familial cancer of breast. Last evaluated: 2025-10-31. Review status: criteria provided, single submitter. Criteria: Invitae Variant Classification Sherloc (09022015). Collection method: clinical testing. Allele origin: germline.

Myriad Genetics, Inc.
Classification: Likely benign for Familial cancer of breast. Last evaluated: 2024-10-03. Review status: criteria provided, single submitter. Criteria: Myriad Autosomal Dominant, Autosomal Recessive and X-Linked Classification Criteria (2023). Collection method: clinical testing. Allele origin: unknown.
Comment: This variant is considered likely benign. This variant is intronic and is not expected to impact mRNA splicing.

Ambry Genetics
Classification: Likely benign for Hereditary cancer-predisposing syndrome. Last evaluated: 2020-08-03. Review status: criteria provided, single submitter. Criteria: Ambry Variant Classification Scheme 2023. Collection method: clinical testing. Allele origin: germline.